The following is an entry in ClinVar:

NM_001367479.1(DNAH14):c.9353C>T (p.Pro3118Leu)

Gene: DNAH14 (dynein axonemal heavy chain 14; plus strand). Cytogenetic location: 1q42.12.
Variant type: single nucleotide variant.
Coding change: c.9353C>T on transcript NM_001367479.1 (MANE Select); coding-DNA position 9353, C replaced by T.
Protein change: p.Pro3118Leu; replaces proline 3118 with leucine.
Molecular consequence: missense variant.
Genome position (GRCh38, 1-based): chr1:225,322,681, C>T. VCF-style: chr1-225322681-C-T. GRCh37 (hg19) VCF-style: chr1-225510383-C-T.
Other names: NM_001373.1:c.9074C>T; short protein forms P3118L.
Identifiers: ClinVar variation 3371723 (VCV003371723.2).

ClinVar aggregate classification (germline): Uncertain significance. Review status: criteria provided, multiple submitters, no conflicts (2 of 4 stars). 2 submissions from 2 submitters: Uncertain significance (2). Last evaluated 2024-09-24.

gnomAD v4.1: 120 of 1,540,048 alleles (0.0078%); highest among the groups gnomAD compares: Non-Finnish European, 0.0097%; no homozygotes.

Submissions (2):

Ambry Genetics
Classification: Uncertain significance. Last evaluated: 2024-09-24. Review status: criteria provided, single submitter. Criteria: Ambry Variant Classification Scheme 2023. Collection method: clinical testing. Allele origin: germline.

GeneDx
Classification: Uncertain significance. Last evaluated: 2024-03-27. Review status: criteria provided, single submitter. Criteria: GeneDx Variant Classification Process June 2021. Collection method: clinical testing. Allele origin: germline. Affected: yes.
Comment: In silico analysis supports that this missense variant has a deleterious effect on protein structure/function; Has not been previously published as pathogenic or benign to our knowledge